The following is an entry in ClinVar:

NM_000414.3(HSD17B4):c.-119C>G

Gene: HSD17B4 (hydroxysteroid 17-beta dehydrogenase 4; plus strand). Cytogenetic location: 5q23.1.
Variant type: single nucleotide variant.
Coding change: c.-119C>G on transcript NM_000414.3; 119 bases upstream of the start codon, C replaced by G.
Genome position (GRCh38, 1-based): chr5:119,452,457, C>G. VCF-style: chr5-119452457-C-G. GRCh37 (hg19) VCF-style: chr5-118788152-C-G.
Identifiers: ClinVar variation 904214 (VCV000904214.6), dbSNP rs11739468, ClinGen allele CA125914992.

ClinVar aggregate classification (germline): Conflicting classifications of pathogenicity. Review status: criteria provided, conflicting classifications (1 of 4 stars). 2 submissions from 1 submitter: Uncertain significance (1); Likely benign (1). Last evaluated 2018-01-13.

Conditions:
Perrault syndrome 1 (PRLTS1). Also called: GONADAL DYSGENESIS, XX TYPE, WITH DEAFNESS; OVARIAN DYSGENESIS WITH SENSORINEURAL DEAFNESS. Identifiers: Orphanet 2855, Orphanet 642945, MedGen C4551721, MONDO:0009300, OMIM 233400.
Bifunctional peroxisomal enzyme deficiency (DBIF). Also called: PBFE DEFICIENCY; D-bifunctional protein deficiency; DBP DEFICIENCY. Identifiers: Orphanet 300, MedGen C0342870, MONDO:0009855, OMIM 261515. Disease mechanism: loss of function.

Allele frequency attached by ClinVar (database versions not stated): gnomAD 0.00084 and 0.00087; TOPMed 0.00094; 1000 Genomes Project 0.00060; 1000 Genomes Project 30x 0.00062.

Submissions (2):

Illumina Laboratory Services, Illumina
Classification: Likely benign for Perrault syndrome 1. Last evaluated: 2018-01-13. Review status: criteria provided, single submitter. Criteria: ICSL Variant Classification Criteria 13 December 2019. Collection method: clinical testing. Allele origin: germline.
Comment: This variant was observed in the ICSL laboratory as part of a predisposition screen in an ostensibly healthy population. It had not been previously curated by ICSL or reported in the Human Gene Mutation Database (HGMD: prior to June 1st, 2018), and was therefore a candidate for classification through an automated scoring system. Utilizing variant allele frequency, disease prevalence and penetrance estimates, and inheritance mode, an automated score was calculated to assess if this variant is too frequent to cause the disease. Based on the score and internal cut-off values, a variant classified as likely benign is not then subjected to further curation. The score for this variant resulted in a classification of likely benign for this disease.

Illumina Laboratory Services, Illumina
Classification: Uncertain significance for Bifunctional peroxisomal enzyme deficiency. Last evaluated: 2018-01-13. Review status: criteria provided, single submitter. Criteria: ICSL Variant Classification Criteria 13 December 2019. Collection method: clinical testing. Allele origin: germline.